The following is an entry in ClinVar:

ClinVar aggregate classification (germline): Uncertain significance (1 of 4 stars; one submission).

Submission:

Labcorp Genetics (formerly Invitae), Labcorp
Classification: Uncertain significance. Last evaluated: 2024-05-22. Review status: criteria provided, single submitter. Criteria: Invitae Variant Classification Sherloc (09022015). Collection method: clinical testing. Allele origin: germline.
Comment: This sequence change replaces glutamic acid, which is acidic and polar, with alanine, which is neutral and non-polar, at codon 38 of the C7 protein (p.Glu38Ala). This variant is not present in population databases (gnomAD no frequency). This variant has not been reported in the literature in individuals affected with C7-related conditions. Advanced modeling of protein sequence and biophysical properties (such as structural, functional, and spatial information, amino acid conservation, physicochemical variation, residue mobility, and thermodynamic stability) performed at Invitae indicates that this missense variant is not expected to disrupt C7 protein function with a negative predictive value of 80%. In summary, the available evidence is currently insufficient to determine the role of this variant in disease. Therefore, it has been classified as a Variant of Uncertain Significance.

NM_000587.4(C7):c.113A>C (p.Glu38Ala)

Gene: C7 (complement C7; plus strand). Cytogenetic location: 5p13.1.
Variant type: single nucleotide variant.
Coding change: c.113A>C on transcript NM_000587.4 (MANE Select); coding-DNA position 113, A replaced by C.
Protein change: p.Glu38Ala; replaces glutamic acid 38 with alanine.
Molecular consequence: missense variant.
Genome position (GRCh38, 1-based): chr5:40,931,114, A>C. VCF-style: chr5-40931114-A-C. GRCh37 (hg19) VCF-style: chr5-40931216-A-C.
Other names: short protein forms E38A.
Identifiers: ClinVar variation 3648679 (VCV003648679.2).